The following is an entry in ClinVar:

ClinVar aggregate classification (germline): Pathogenic. Review status: criteria provided, multiple submitters, no conflicts (2 of 4 stars). 9 submissions from 9 submitters: Pathogenic (8). 1 of the submissions does not count toward it. Last evaluated 2024-05-07.

Conditions:
Inborn genetic diseases. Identifiers: MedGen C0950123, MeSH D030342.
Wilson disease (WND). Also called: Wilson's disease. Identifiers: Orphanet 905, MedGen C0019202, MONDO:0010200, OMIM 277900. Disease mechanism: loss of function.

Allele frequency attached by ClinVar (database versions not stated): gnomAD exomes below 0.00001.

Submissions (9):

Mayo Clinic Laboratories, Mayo Clinic
Classification: Pathogenic. Last evaluated: 2024-05-07. Review status: criteria provided, single submitter. Criteria: ACMG Guidelines, 2015. Collection method: clinical testing. Allele origin: germline.
Comment: PM2, PM3, PS3, PS4, PVS1

Labcorp Genetics (formerly Invitae), Labcorp
Classification: Pathogenic for Wilson disease. Last evaluated: 2024-03-01. Review status: criteria provided, single submitter. Criteria: Invitae Variant Classification Sherloc (09022015). Collection method: clinical testing. Allele origin: germline.
Comment: This sequence change creates a premature translational stop signal (p.Val937Glyfs*5) in the ATP7B gene. It is expected to result in an absent or disrupted protein product. Loss-of-function variants in ATP7B are known to be pathogenic (PMID: 10441329, 16283883). This variant is present in population databases (no rsID available, gnomAD 0.006%). This premature translational stop signal has been observed in individual(s) with Wilson disease (PMID: 20931554, 26483271; Invitae). ClinVar contains an entry for this variant (Variation ID: 370632). Algorithms developed to predict the effect of sequence changes on RNA splicing suggest that this variant may disrupt the consensus splice site. For these reasons, this variant has been classified as Pathogenic.

Baylor Genetics
Classification: Pathogenic for Wilson disease. Last evaluated: 2023-01-12. Review status: criteria provided, single submitter. Criteria: ACMG Guidelines, 2015. Collection method: clinical testing. Allele origin: unknown.

Genome-Nilou Lab
Classification: Pathogenic for Wilson disease. Last evaluated: 2021-08-10. Review status: criteria provided, single submitter. Criteria: ACMG Guidelines, 2015. Collection method: clinical testing. Allele origin: germline. Affected: no.

Women's Health and Genetics/Laboratory Corporation of America, LabCorp
Classification: Pathogenic for Wilson disease. Last evaluated: 2020-03-16. Review status: criteria provided, single submitter. Criteria: LabCorp Variant Classification Summary - May 2015. Collection method: clinical testing. Allele origin: germline.
Comment: Variant summary: ATP7B c.2810delT (p.Val937GlyfsX5) results in a premature termination codon, predicted to cause a truncation of the encoded protein or absence of the protein due to nonsense mediated decay, which are commonly known mechanisms for disease. Truncations downstream of this position have been classified as pathogenic by our laboratory. The variant allele was found at a frequency of 4e-06 in 249570 control chromosomes (gnomAD). c.2810delT has been reported in the literature in individuals (homozygous and compound heterozygous) affected with Wilson Disease (e.g. Wan_2010, Hui_2013, Mak_2008). These data indicate that the variant is likely to be associated with disease. In copper resistance assay to determine the effect of the mutation on cell survival, the variant completely inhibited copper-transporting activity as indicated by the rapid death of cells expressing the mutant ATP7B when they were exposed to 20uM copper (Wan_2010). Three ClinVar submitters (evaluation after 2014) cite the variant as pathogenic/likely pathogenic. Based on the evidence outlined above, the variant was classified as pathogenic.

GeneDx
Classification: Pathogenic. Last evaluated: 2016-12-20. Review status: criteria provided, single submitter. Criteria: GeneDx Variant Classification (06012015). Collection method: clinical testing. Allele origin: germline. Affected: yes.
Comment: The c.2810delT variant in the ATP7B gene has been reported previously in patients with Wilson disease (Wu et al. 2001; Wan et al. 2010). Expression studies found that c.2810delT completely inhibited copper-transporting activity of the ATP7B protein (Wan et al., 2010). The c.2810delT variant was not observed in approximately 6500 individuals of European and African American ancestry in the NHLBI Exome Sequencing Project, indicating it is not a common benign variant in these populations. The c.2810delT deletion causes a frameshift starting with codon Valine 937, changes this amino acid to a Glycine residue and creates a premature Stop codon at position 5 of the new reading frame, denoted p.Val937GlyfsX5. This variant is predicted to cause loss of normal protein function either through protein truncation or nonsense-mediated mRNA decay. In summary, we interpret c.2810delT to be a pathogenic variant.

Ambry Genetics
Classification: Pathogenic for Inborn genetic diseases. Last evaluated: 2015-11-24. Review status: criteria provided, single submitter. Criteria: Ambry Variant Classification Scheme 2023. Collection method: clinical testing. Allele origin: germline.
Comment: The c.2810delT pathogenic mutation, located in coding exon 12 of the ATP7B gene, results from a deletion of one nucleotide at nucleotide position 2810, causing a translational frameshift with a predicted alternate stop codon. This mutation has been detected in chromosomes from multiple individuals with Wilson disease (Wang LH, et al. J. Hum. Genet. 2011; 56(9):660-5, Mak CM, et al. J. Hum. Genet. 2008;53(1):55-63, Wu ZY, et al. Arch. Neurol. 2001; 58(6):971-6, Cox DW, et al. Hum. Mutat. 2005;26(3):280). In addition, this alteration was detected in the homozygous state in an individual with significant reduction of Wilson disease symptoms. The authors of this functional study showed that this mutation is unable to produce functional ATP7B protein and completely inhibits copper-transporting activity. However, this alteration also results in the expression of alternative in frame splice variants that retain copper transporting activity at a significantly higher level than wild type protein, which, authors propose, are responsible for this individuals attenuated phenotype (Wan L, et al. Hepatology 2010;52(5):1662-70). In addition to the clinical data presented in the literature, since frameshifts are typically deleterious in nature, this alteration is interpreted as a disease-causing mutation (ACMG Recommendations for Standards for Interpretation and Reporting of Sequence Variations. Revision 2007. Genet Med. 2008;10:294).

Juno Genomics, Hangzhou Juno Genomics, Inc
Classification: Pathogenic for Wilson disease. Review status: criteria provided, single submitter. Criteria: ACMG Guidelines, 2015. Collection method: clinical testing. Allele origin: germline.
Comment: Absent from controls (or at extremely low frequency if recessive) in Genome Aggregation Database.;Null variant in a gene where loss of function (LOF) is a known mechanism of disease.;For recessive disorders, detected in trans with a pathogenic variant.

Counsyl
Classification: Likely pathogenic for Wilson disease. Last evaluated: 2016-03-16. Review status: no assertion criteria provided. Collection method: clinical testing. Allele origin: unknown. Not counted in ClinVar's aggregate classification.

Literature cited by the submitters: PubMed 11405812 (cited by 3 submitters); PubMed 16088907 (cited by 3 submitters); PubMed 18034201 (cited by 4 submitters); PubMed 20931554 (cited by 5 submitters); PubMed 21796144 (cited by Mayo Clinic Laboratories, Mayo Clinic and Ambry Genetics); PubMed 24146181 (cited by 3 submitters); PubMed 26483271 (cited by 3 submitters); PubMed 10441329 (cited by Labcorp Genetics (formerly Invitae), Labcorp); PubMed 16283883 (cited by Labcorp Genetics (formerly Invitae), Labcorp).

NM_000053.4(ATP7B):c.2810del (p.Val937fs)

Gene: ATP7B (ATPase copper transporting beta; minus strand). Cytogenetic location: 13q14.3.
Variant type: Deletion.
Coding change: c.2810del on transcript NM_000053.4 (MANE Select); coding-DNA position 2810, one base deleted (T; older notation c.2810delT).
Protein change: p.Val937fs; shifts the reading frame from valine 937.
Molecular consequence: frameshift variant. On other transcripts: intron variant (1).
Genome position (GRCh38, 1-based): chr13:51,949,717, A deleted on the plus strand (T on the coding strand, the reverse complement: ATP7B is on the minus strand). VCF-style (leftmost placement, unchanged base first): chr13-51949716-CA-C. GRCh37 (hg19) VCF-style: chr13-52523852-CA-C.
Other names: p.Val937Glyfs*5; c.2810del (NM_000053.3); c.2477del, p.Val826fs (NM_001243182.2); c.2576del, p.Val859fs (NM_001330578.2); c.2558del, p.Val853fs (NM_001330579.2); c.2244+290del (NM_001005918.3); short protein forms V826fs, V853fs, V937fs, V859fs.
Identifiers: ClinVar variation 370632 (VCV000370632.28), dbSNP rs1057516643, ClinGen allele CA16041668.